The following is an entry in ClinVar:

NM_000214.3(JAG1):c.639C>A (p.Asp213Glu)

Gene: JAG1 (jagged canonical Notch ligand 1; minus strand). Cytogenetic location: 20p12.2.
Variant type: single nucleotide variant.
Coding change: c.639C>A on transcript NM_000214.3 (MANE Select); coding-DNA position 639, C replaced by A.
Protein change: p.Asp213Glu; replaces aspartic acid 213 with glutamic acid.
Molecular consequence: missense variant.
Genome position (GRCh38, 1-based): chr20:10,658,523, G>T on the plus strand (C>A on the coding strand, the complement: JAG1 is on the minus strand). VCF-style: chr20-10658523-G-T. GRCh37 (hg19) VCF-style: chr20-10639171-G-T.
Other names: short protein forms D213E.
Identifiers: ClinVar variation 3573075 (VCV003573075.2).

Conditions:
Arteriohepatic dysplasia. Also called: Alagille Syndrome. Identifiers: Orphanet 52, MedGen C0085280, MeSH D016738, MONDO:0007318.

Submission:

Gilbert/Spinner Lab, Children's Hospital of Philadelphia
No classification provided (evidence only). Condition: Alagille syndrome. Review status: no classification provided. Collection method: research. Allele origin: not applicable. Functional consequence: functionally_abnormal.
ClinVar note: "not provided" was previously submitted as the classification for the variant. However, the classification appeared to be based only on an observation of functional data so it was converted to no classification on 2025-07-30.